The following is an entry in ClinVar:

NM_003718.5(CDK13):c.503C>T (p.Ala168Val)

Gene: CDK13 (cyclin dependent kinase 13; plus strand). Cytogenetic location: 7p14.1.
Variant type: single nucleotide variant.
Coding change: c.503C>T on transcript NM_003718.5 (MANE Select); coding-DNA position 503, C replaced by T.
Protein change: p.Ala168Val; replaces alanine 168 with valine.
Molecular consequence: missense variant.
Genome position (GRCh38, 1-based): chr7:39,951,144, C>T. VCF-style: chr7-39951144-C-T. GRCh37 (hg19) VCF-style: chr7-39990743-C-T.
Other names: c.503C>T, p.Ala168Val (NM_031267.4); short protein forms A168V.
Identifiers: ClinVar variation 2778485 (VCV002778485.3), dbSNP rs1056340771, ClinGen allele CA157707171.
Genomic context (GRCh38, chr7:39,951,144, plus strand): 5'-ATGTGAGCTCCCAGTCCGAGCAGGGGCTGCTGCTGGGGGGGGCCAGCGCGGCAACGGCGG[C>T]GACGGCTGCCGGGGGAACGGGGGGCAGCGGCGGGAGTCCGGCCTCCTCCTCCGGCACCCA-3'
Protein context (NP_003709.3, residues 158-178): LLGGASAATA[Ala168Val]TAAGGTGGSG

ClinVar aggregate classification (germline): Uncertain significance (1 of 4 stars; one submission).

Allele frequency attached by ClinVar (database versions not stated): gnomAD exomes below 0.00001; gnomAD 0.00001; TOPMed 0.00002.

Submission:

Labcorp Genetics (formerly Invitae), Labcorp
Classification: Uncertain significance. Last evaluated: 2025-06-24. Review status: criteria provided, single submitter. Criteria: Invitae Variant Classification Sherloc (09022015). Collection method: clinical testing. Allele origin: germline.
Comment: This sequence change replaces alanine, which is neutral and non-polar, with valine, which is neutral and non-polar, at codon 168 of the CDK13 protein (p.Ala168Val). This variant is not present in population databases (gnomAD no frequency). This variant has not been reported in the literature in individuals affected with CDK13-related conditions. ClinVar contains an entry for this variant (Variation ID: 2778485). Invitae Evidence Modeling of protein sequence and biophysical properties (such as structural, functional, and spatial information, amino acid conservation, physicochemical variation, residue mobility, and thermodynamic stability) indicates that this missense variant is not expected to disrupt CDK13 protein function with a negative predictive value of 95%. In summary, the available evidence is currently insufficient to determine the role of this variant in disease. Therefore, it has been classified as a Variant of Uncertain Significance.